The following is an entry in ClinVar:

NM_018006.5(TRMU):c.533_534dup (p.Gln179fs)

Gene: TRMU (tRNA mitochondrial 2-thiouridylase; plus strand). Cytogenetic location: 22q13.31.
Variant type: Duplication.
Coding change: c.533_534dup on transcript NM_018006.5 (MANE Select); coding-DNA positions 533 to 534, 2 bases duplicated (GC; older notation c.533_534dupGC).
Protein change: p.Gln179fs; shifts the reading frame from glutamine 179.
Molecular consequence: frameshift variant. On other transcripts: intron variant (2).
Genome position (GRCh38, 1-based): chr22:46,350,345-46,350,346, GC duplicated. VCF-style (leftmost placement, unchanged base first): chr22-46350344-A-AGC. GRCh37 (hg19) VCF-style: chr22-46746241-A-AGC.
Other names: c.191_192dup, p.Gln65fs (NM_001282782.2); c.533_534dup, p.Gln179fs (NM_001282785.2); c.118-5_118-4dup (NM_001282783.2, NM_001282784.2); short protein forms Q179fs, Q65fs.
Identifiers: ClinVar variation 4062382 (VCV004062382.2).

ClinVar aggregate classification (germline): Likely pathogenic (1 of 4 stars; one submission).

Conditions:
Acute infantile liver failure due to synthesis defect of mtDNA-encoded proteins. Also called: Liver failure acute infantile; LIVER FAILURE, INFANTILE, TRANSIENT; TRMU Deficiency. Identifiers: Orphanet 217371, MedGen C3278664, MONDO:0013111, OMIM 613070.

Submission:

Natera, Inc.
Classification: Likely pathogenic for Acute infantile liver failure due to synthesis defect of mtDNA-encoded proteins. Last evaluated: 2025-05-02. Review status: criteria provided, single submitter. Criteria: Natera Variant Classification Schema (03/2026). Collection method: clinical testing. Allele origin: germline.
Comment: The c.533_534dup variant in TRMU is a frameshift variant predicted to shift the reading frame beginning at codon 179 and leads to a stop codon 8 codons downstream. This variant is expected to result in nonsense mediated decay, truncation, or a dysfunctional protein product. This variant is rare in the general population with a frequency below the threshold expected for the associated phenotype(s). Given the available evidence, this variant is classified as Likely Pathogenic.